The following is an entry in ClinVar:

NM_001081.4(CUBN):c.1234A>G (p.Thr412Ala)

Genes: CUBN (cubilin; minus strand), LOC129390143 (MPRA-validated peak884 silencer; plus strand). Cytogenetic location: 10p13.
Variant type: single nucleotide variant.
Coding change: c.1234A>G on transcript NM_001081.4 (MANE Select); coding-DNA position 1234, A replaced by G.
Protein change: p.Thr412Ala; replaces threonine 412 with alanine.
Molecular consequence: missense variant.
Genome position (GRCh38, 1-based): chr10:17,104,602, T>C on the plus strand (A>G on the coding strand, the complement: CUBN is on the minus strand). VCF-style: chr10-17104602-T-C. GRCh37 (hg19) VCF-style: chr10-17146601-T-C.
Other names: c.1234A>G (NM_001081.3); short protein forms T412A.
Identifiers: ClinVar variation 1473548 (VCV001473548.7), dbSNP rs748933632, ClinGen allele CA5425330.

ClinVar aggregate classification (germline): Uncertain significance. Review status: criteria provided, multiple submitters, no conflicts (2 of 4 stars). 3 submissions from 3 submitters: Uncertain significance (3). Last evaluated 2025-07-15.

Conditions:
Proteinuria, chronic benign. Identifiers: MedGen C5394384, MONDO:0030042, OMIM 618884.
Imerslund-Grasbeck syndrome type 1 (IGS1). Also called: Imerslund-Gräsbeck syndrome 1; Megaloblastic anemia 1, Finnish type; MEGALOBLASTIC ANEMIA, 1. Identifiers: MedGen C4016819, MONDO:0100156, OMIM 261100.
Inborn genetic diseases. Identifiers: MedGen C0950123, MeSH D030342.
Imerslund-Grasbeck syndrome. Also called: PERNICIOUS ANEMIA, JUVENILE, DUE TO SELECTIVE INTESTINAL MALABSORPTION OF VITAMIN B12, WITH PROTEINURIA; Megaloblastic anemia due to inborn errors of metabolism; ENTEROCYTE COBALAMIN MALABSORPTION; ENTEROCYTE INTRINSIC FACTOR RECEPTOR, DEFECT OF; Imerslund-Gräsbeck syndrome. Identifiers: Orphanet 35858, MedGen C4551825, MONDO:0009853.

Allele frequency attached by ClinVar (database versions not stated): TOPMed 0.00002; gnomAD exomes 0.00003 and 0.00008; ExAC 0.00007.
gnomAD v4.1: 19 of 1,612,312 alleles (0.0012%); highest among the groups gnomAD compares: Admixed American, 0.032%; no homozygotes.

Submissions (3):

Ambry Genetics
Classification: Uncertain significance for Inborn genetic diseases. Last evaluated: 2025-07-15. Review status: criteria provided, single submitter. Criteria: Ambry Variant Classification Scheme 2023. Collection method: clinical testing. Allele origin: germline.

Labcorp Genetics (formerly Invitae), Labcorp
Classification: Uncertain significance for Imerslund-Grasbeck syndrome. Last evaluated: 2022-10-17. Review status: criteria provided, single submitter. Criteria: Invitae Variant Classification Sherloc (09022015). Collection method: clinical testing. Allele origin: germline.
Comment: This variant is present in population databases (rs748933632, gnomAD 0.05%). This sequence change replaces threonine, which is neutral and polar, with alanine, which is neutral and non-polar, at codon 412 of the CUBN protein (p.Thr412Ala). This variant has not been reported in the literature in individuals affected with CUBN-related conditions. In summary, the available evidence is currently insufficient to determine the role of this variant in disease. Therefore, it has been classified as a Variant of Uncertain Significance. Advanced modeling of protein sequence and biophysical properties (such as structural, functional, and spatial information, amino acid conservation, physicochemical variation, residue mobility, and thermodynamic stability) has been performed at Invitae for this missense variant, however the output from this modeling did not meet the statistical confidence thresholds required to predict the impact of this variant on CUBN protein function. ClinVar contains an entry for this variant (Variation ID: 1473548).

Fulgent Genetics
Classification: Uncertain significance for Imerslund-Grasbeck syndrome type 1; Proteinuria, chronic benign. Last evaluated: 2021-12-29. Review status: criteria provided, single submitter. Criteria: ACMG Guidelines, 2015. Collection method: clinical testing. Allele origin: unknown.